The following is an entry in ClinVar:

NM_000860.6(HPGD):c.232_239del (p.Val78fs)

Gene: HPGD (15-hydroxyprostaglandin dehydrogenase; minus strand). Cytogenetic location: 4q34.1.
Variant type: Deletion.
Coding change: c.232_239del on transcript NM_000860.6 (MANE Select); coding-DNA positions 232 to 239, 8 bases deleted (GTTGTAGA; older notation c.232_239delGTTGTAGA).
Protein change: p.Val78fs; shifts the reading frame from valine 78.
Molecular consequence: frameshift variant. On other transcripts: intron variant (2), 5 prime UTR variant (1).
Genome position (GRCh38, 1-based): chr4:174,518,056-174,518,063, TCTACAAC deleted on the plus strand (GTTGTAGA on the coding strand, the reverse complement: HPGD is on the minus strand); deleting any 8 consecutive bases within chr4:174,518,056-174,518,064 gives the same sequence; the c. name uses the placement nearest the transcript's 3' end. VCF-style (leftmost placement, unchanged base first): chr4-174518055-GTCTACAAC-G. GRCh37 (hg19) VCF-style: chr4-175439206-GTCTACAAC-G.
Other names: c.232_239del, p.Val78fs (NM_001363574.2, NM_001145816.3, NM_001256305.2); c.217+3881_217+3888del (NM_001256306.2); c.-40+3881_-40+3888del (NM_001256307.2); c.-132_-125del (NM_001256301.1); short protein forms V78fs.
Identifiers: ClinVar variation 4888240 (VCV004888240.1).

ClinVar aggregate classification (germline): Likely pathogenic (1 of 4 stars; one submission).

Conditions:
Hypertrophic osteoarthropathy, primary, autosomal recessive, 1 (PHOAR1). Also called: PHO, AUTOSOMAL RECESSIVE. Identifiers: Orphanet 1525, Orphanet 2796, MedGen C4551679, MONDO:0024546, OMIM 259100.

Submission:

Genelabs Medical  (pvt) Ltd
Classification: Likely pathogenic for Hypertrophic osteoarthropathy, primary, autosomal recessive, 1. Last evaluated: 2026-08-03. Review status: criteria provided, single submitter. Criteria: ACMG Guidelines, 2015. Collection method: clinical testing. Allele origin: germline. Inheritance: Autosomal recessive inheritance. Affected: no. Observed: 1 heterozygote.
Comment: The frameshift variant NM_000860.6(HPGD) : c.232_239delGTTGTAGA (p.Val78Profs*11) results in a frameshift beginning at codon 78 and introduces a premature termination codon 11 amino acids downstream. The variant is located in exon 3 of 7 and is predicted to undergo nonsense-mediated decay (NMD), leading to loss of normal HPGD protein function. HPGD has a definitive gene–disease association with primary hypertrophic osteoarthropathy, autosomal recessive type 1, as curated by GenCC. Loss of function is a well-established disease mechanism for this condition. Consistent with this, 20 pathogenic or likely pathogenic loss-of-function variants have been reported in HPGD, including 13 downstream truncating variants, with the most distal truncation occurring 86 amino acids downstream, supporting intolerance to protein truncation. The variant is absent from population databases, supporting its rarity. Based on the cumulative evidence, this variant is classified as Likely Pathogenic. (PVS1, PM2_Supporting)